The following is an entry in ClinVar:

NM_000361.3(THBD):c.1068C>G (p.Asp356Glu)

Gene: THBD (thrombomodulin; minus strand). Cytogenetic location: 20p11.21.
Variant type: single nucleotide variant.
Coding change: c.1068C>G on transcript NM_000361.3 (MANE Select); coding-DNA position 1068, C replaced by G.
Protein change: p.Asp356Glu; replaces aspartic acid 356 with glutamic acid.
Molecular consequence: missense variant.
Genome position (GRCh38, 1-based): chr20:23,048,437, G>C on the plus strand (C>G on the coding strand, the complement: THBD is on the minus strand). VCF-style: chr20-23048437-G-C. GRCh37 (hg19) VCF-style: chr20-23029074-G-C.
Other names: short protein forms D356E.
Identifiers: ClinVar variation 2806231 (VCV002806231.3), dbSNP rs750643476, ClinGen allele CA408406335.

ClinVar aggregate classification (germline): Uncertain significance (1 of 4 stars; one submission).

Submission:

Labcorp Genetics (formerly Invitae), Labcorp
Classification: Uncertain significance. Last evaluated: 2023-04-25. Review status: criteria provided, single submitter. Criteria: Invitae Variant Classification Sherloc (09022015). Collection method: clinical testing. Allele origin: germline.
Comment: This sequence change replaces aspartic acid, which is acidic and polar, with glutamic acid, which is acidic and polar, at codon 356 of the THBD protein (p.Asp356Glu). In summary, the available evidence is currently insufficient to determine the role of this variant in disease. Therefore, it has been classified as a Variant of Uncertain Significance. Advanced modeling of protein sequence and biophysical properties (such as structural, functional, and spatial information, amino acid conservation, physicochemical variation, residue mobility, and thermodynamic stability) performed at Invitae indicates that this missense variant is not expected to disrupt THBD protein function. This variant has not been reported in the literature in individuals affected with THBD-related conditions. This variant is not present in population databases (gnomAD no frequency).